The following is an entry in ClinVar:

NM_004360.5(CDH1):c.2416G>T (p.Glu806Ter)

Gene: CDH1 (cadherin 1; plus strand). Cytogenetic location: 16q22.1.
Variant type: single nucleotide variant.
Coding change: c.2416G>T on transcript NM_004360.5 (MANE Select); coding-DNA position 2416, G replaced by T.
Protein change: p.Glu806Ter; replaces glutamic acid 806 with a stop codon.
Molecular consequence: nonsense.
Genome position (GRCh38, 1-based): chr16:68,829,774, G>T. VCF-style: chr16-68829774-G-T. GRCh37 (hg19) VCF-style: chr16-68863677-G-T.
Other names: c.2233G>T, p.Glu745Ter (NM_001317184.2); c.868G>T, p.Glu290Ter (NM_001317185.2); c.451G>T, p.Glu151Ter (NM_001317186.2); short protein forms E290*, E806*, E151*, E745*.
Identifiers: ClinVar variation 2453319 (VCV002453319.7), dbSNP rs376922615, ClinGen allele CA396471283.

ClinVar aggregate classification (germline): Pathogenic/Likely pathogenic. Review status: criteria provided, multiple submitters, no conflicts (2 of 4 stars). 3 submissions from 3 submitters: Pathogenic (1); Likely pathogenic (2). Last evaluated 2023-06-15.

Conditions:
Hereditary cancer-predisposing syndrome. Also called: Neoplastic Syndromes, Hereditary; Tumor predisposition; Hereditary Cancer Syndrome; Hereditary neoplastic syndrome. Identifiers: Orphanet 140162, MedGen C0027672, MeSH D009386, MONDO:0015356.
Hereditary diffuse gastric adenocarcinoma (HDGC). Also called: DIFFUSE GASTRIC AND LOBULAR BREAST CANCER SYNDROME. Identifiers: Orphanet 26106, MedGen C1708349, MONDO:0007648, OMIM 137215.

Submissions (3):

Myriad Genetics, Inc.
Classification: Pathogenic for Hereditary diffuse gastric adenocarcinoma. Last evaluated: 2023-06-15. Review status: criteria provided, single submitter. Criteria: Myriad Autosomal Dominant, Autosomal Recessive and X-Linked Classification Criteria (2023). Collection method: clinical testing. Allele origin: unknown.
Comment: This variant is considered pathogenic. This variant creates a termination codon and is predicted to result in premature protein truncation.

Ambry Genetics
Classification: Likely pathogenic for Hereditary cancer-predisposing syndrome. Last evaluated: 2022-12-01. Review status: criteria provided, single submitter. Criteria: Ambry Variant Classification Scheme 2023. Collection method: clinical testing. Allele origin: germline.
Comment: The p.E806* variant (also known as c.2416G>T), located in coding exon 15 of the CDH1 gene, results from a G to T substitution at nucleotide position 2416. This changes the amino acid from a glutamic acid to a stop codon within coding exon 15. This alteration occurs at the 3' terminus of theCDH1 gene, is not expected to trigger nonsense-mediated mRNA decay, and only impacts the last 77 amino acids of the protein. However, premature stop codons are typically deleterious in nature, the impacted region is critical for protein function and a significant portion of the protein is affected (Ambry internal data). This variant is considered to be rare based on population cohorts in the Genome Aggregation Database (gnomAD). Based on the majority of available evidence to date, this variant is likely to be pathogenic.

Juno Genomics, Hangzhou Juno Genomics, Inc
Classification: Likely pathogenic for Hereditary diffuse gastric adenocarcinoma. Review status: criteria provided, single submitter. Criteria: ACMG Guidelines, 2015. Collection method: clinical testing. Allele origin: germline.
Comment: Absent from controls (or at extremely low frequency if recessive) in Genome Aggregation Database.;Null variant in a gene where loss of function (LOF) is a known mechanism of disease.;The prevalence of the variant in affected individuals is significantly increased compared to the prevalence in controls.